The following is an entry in ClinVar:

NM_182914.3(SYNE2):c.15028A>G (p.Ser5010Gly)

Gene: SYNE2 (spectrin repeat containing nuclear envelope protein 2; plus strand). Cytogenetic location: 14q23.2.
Variant type: single nucleotide variant.
Coding change: c.15028A>G on transcript NM_182914.3 (MANE Select); coding-DNA position 15028, A replaced by G.
Protein change: p.Ser5010Gly; replaces serine 5010 with glycine.
Molecular consequence: missense variant.
Genome position (GRCh38, 1-based): chr14:64,141,392, A>G. VCF-style: chr14-64141392-A-G. GRCh37 (hg19) VCF-style: chr14-64608110-A-G.
Other names: c.15028A>G, p.Ser5010Gly (NM_015180.6); short protein forms S5010G.
Identifiers: ClinVar variation 313603 (VCV000313603.16), dbSNP rs754937863, ClinGen allele CA7222961.

ClinVar aggregate classification (germline): Conflicting classifications of pathogenicity. Review status: criteria provided, conflicting classifications (1 of 4 stars). 3 submissions from 3 submitters: Uncertain significance (2); Likely benign (1). Last evaluated 2025-12-15.

Conditions:
Emery-Dreifuss muscular dystrophy 5, autosomal dominant (EDMD5). Also called: EMERY-DREIFUSS MUSCULAR DYSTROPHY 5. Identifiers: Orphanet 261, MedGen C2751805, MONDO:0013072, OMIM 612999.

Allele frequency attached by ClinVar (database versions not stated): ExAC 0.00001; TOPMed 0.00002; gnomAD 0.00003 and 0.00004; gnomAD exomes 0.00003.
gnomAD v4.1: 55 of 1,614,144 alleles (0.0034%); highest among the groups gnomAD compares: Non-Finnish European, 0.0043%; no homozygotes.

Submissions (3):

Labcorp Genetics (formerly Invitae), Labcorp
Classification: Uncertain significance for Emery-Dreifuss muscular dystrophy 5, autosomal dominant. Last evaluated: 2025-12-15. Review status: criteria provided, single submitter. Criteria: Invitae Variant Classification Sherloc (09022015). Collection method: clinical testing. Allele origin: germline.
Comment: This sequence change replaces serine, which is neutral and polar, with glycine, which is neutral and non-polar, at codon 5010 of the SYNE2 protein (p.Ser5010Gly). This variant is present in population databases (rs754937863, gnomAD 0.008%). This variant has not been reported in the literature in individuals affected with SYNE2-related conditions. ClinVar contains an entry for this variant (Variation ID: 313603). An algorithm developed to predict the effect of missense changes on protein structure and function outputs the following: PolyPhen-2: "Benign". The glycine amino acid residue is found in multiple mammalian species, which suggests that this missense change does not adversely affect protein function. In summary, the available evidence is currently insufficient to determine the role of this variant in disease. Therefore, it has been classified as a Variant of Uncertain Significance.

Revvity Omics, Revvity
Classification: Likely benign for Emery-Dreifuss muscular dystrophy 5, autosomal dominant. Last evaluated: 2024-07-17. Review status: criteria provided, single submitter. Criteria: ACMG Guidelines, 2015. Collection method: clinical testing. Allele origin: germline.

Illumina Laboratory Services, Illumina
Classification: Uncertain significance for Emery-Dreifuss muscular dystrophy 5, autosomal dominant. Last evaluated: 2018-01-12. Review status: criteria provided, single submitter. Criteria: ICSL Variant Classification Criteria 13 December 2019. Collection method: clinical testing. Allele origin: germline.